The following is an entry in ClinVar:

ClinVar aggregate classification (germline): Conflicting classifications of pathogenicity. Review status: criteria provided, conflicting classifications (1 of 4 stars). 3 submissions from 3 submitters: Uncertain significance (1); Likely benign (2). Last evaluated 2025-11-03.

Conditions:
Leber congenital amaurosis 9 (LCA9). Also called: LCA9 Leber Congenital Amaurosis; LCA 9; Amaurosis congenita of Leber, type 9. Identifiers: Orphanet 65, MedGen C1837873, MONDO:0012056, OMIM 608553.
NMNAT1-related disorder. Also called: NMNAT1-related condition.

Allele frequency attached by ClinVar (database versions not stated): gnomAD 0.00011; gnomAD exomes 0.00012 and 0.00034; TOPMed 0.00023; ExAC 0.00025; ESP Exome Variant Server 0.00008.
gnomAD v4.1: 199 of 1,614,014 alleles (0.012%); highest among the groups gnomAD compares: Admixed American, 0.11%; no homozygotes.

Submissions (3):

Labcorp Genetics (formerly Invitae), Labcorp
Classification: Uncertain significance for Leber congenital amaurosis 9. Last evaluated: 2025-11-03. Review status: criteria provided, single submitter. Criteria: Invitae Variant Classification Sherloc (09022015). Collection method: clinical testing. Allele origin: germline.
Comment: This sequence change replaces isoleucine, which is neutral and non-polar, with valine, which is neutral and non-polar, at codon 197 of the NMNAT1 protein (p.Ile197Val). This variant is present in population databases (rs145908106, gnomAD 0.2%). This variant has not been reported in the literature in individuals affected with NMNAT1-related conditions. ClinVar contains an entry for this variant (Variation ID: 1059721). Invitae Evidence Modeling of protein sequence and biophysical properties (such as structural, functional, and spatial information, amino acid conservation, physicochemical variation, residue mobility, and thermodynamic stability) indicates that this missense variant is not expected to disrupt NMNAT1 protein function with a negative predictive value of 80%. In summary, the available evidence is currently insufficient to determine the role of this variant in disease. Therefore, it has been classified as a Variant of Uncertain Significance.

PreventionGenetics, part of Exact Sciences
Classification: Likely benign for NMNAT1-related condition. Last evaluated: 2024-10-29. Review status: criteria provided, single submitter. Criteria: ACMG Guidelines, 2015. Collection method: clinical testing. Allele origin: germline.
Comment: This variant is classified as likely benign based on ACMG/AMP sequence variant interpretation guidelines (Richards et al. 2015 PMID: 25741868, with internal and published modifications).

Blueprint Genetics
Classification: Likely benign. Last evaluated: 2024-09-19. Review status: criteria provided, single submitter. Criteria: ACMG Guidelines, 2015. Collection method: clinical testing. Allele origin: germline.

NM_022787.4(NMNAT1):c.589A>G (p.Ile197Val)

Gene: NMNAT1 (nicotinamide nucleotide adenylyltransferase 1; plus strand). Cytogenetic location: 1p36.22.
Variant type: single nucleotide variant.
Coding change: c.589A>G on transcript NM_022787.4 (MANE Select); coding-DNA position 589, A replaced by G.
Protein change: p.Ile197Val; replaces isoleucine 197 with valine.
Molecular consequence: missense variant.
Genome position (GRCh38, 1-based): chr1:9,982,450, A>G. VCF-style: chr1-9982450-A-G. GRCh37 (hg19) VCF-style: chr1-10042508-A-G.
Other names: c.589A>G, p.Ile197Val (NM_001297778.1); c.589A>G (NM_022787.3); short protein forms I197V.
Identifiers: ClinVar variation 1059721 (VCV001059721.5), dbSNP rs145908106, ClinGen allele CA579288.